The following is an entry in ClinVar:

ClinVar aggregate classification (germline): Benign (1 of 4 stars; one submission).

Allele frequency attached by ClinVar (database versions not stated): 1000 Genomes Project 30x 0.60837; 1000 Genomes Project 0.60982; TOPMed 0.63259; gnomAD 0.63701 and 0.63953.
gnomAD v4.1: 97,221 of 152,090 alleles (64%); highest among the groups gnomAD compares: Middle Eastern, 78%; 31,838 homozygotes.

Submission:

GeneDx
Classification: Benign. Last evaluated: 2018-06-14. Review status: criteria provided, single submitter. Criteria: GeneDx Variant Classification (06012015). Collection method: clinical testing. Allele origin: germline. Affected: yes.
Comment: This variant is considered likely benign or benign based on one or more of the following criteria: it is a conservative change, it occurs at a poorly conserved position in the protein, it is predicted to be benign by multiple in silico algorithms, and/or has population frequency not consistent with disease.

NM_001130987.2(DYSF):c.5004-162C>T

Gene: DYSF (dysferlin; plus strand). Cytogenetic location: 2p13.2.
Variant type: single nucleotide variant.
Coding change: c.5004-162C>T on transcript NM_001130987.2 (MANE Select); 162 bases into the intron before coding-DNA position 5004, C replaced by T.
Molecular consequence: intron variant.
Genome position (GRCh38, 1-based): chr2:71,664,106, C>T. VCF-style: chr2-71664106-C-T. GRCh37 (hg19) VCF-style: chr2-71891236-C-T.
Other names: c.4980-162C>T (NM_001130979.2); c.5001-162C>T (NM_001130981.2); c.4938-162C>T (NM_001130980.2); c.4950-162C>T (NM_001130978.2); c.4887-162C>T (NM_003494.4); c.4908-162C>T (NM_001130977.2); c.4845-162C>T (NM_001130976.2); c.4983-162C>T (NM_001130982.2); and 5 more.
Identifiers: ClinVar variation 679998 (VCV000679998.1), dbSNP rs2303598, ClinGen allele CA11189239.